The following is an entry in ClinVar:

ClinVar aggregate classification (germline): Uncertain significance. Review status: criteria provided, multiple submitters, no conflicts (2 of 4 stars). 2 submissions from 2 submitters: Uncertain significance (2). Last evaluated 2025-05-14.

Conditions:
Ullrich congenital muscular dystrophy 2 (UCMD2). Identifiers: Orphanet 75840, MedGen C4225314, MONDO:0014654, OMIM 616470.
Bethlem myopathy 2 (BTHLM2). Identifiers: Orphanet 536516, Orphanet 610, MedGen C4225313, MONDO:0034022, OMIM 616471.

gnomAD v4.1: 2 of 1,613,714 alleles (0.00012%); highest among the groups gnomAD compares: Non-Finnish European, 0.00017%; no homozygotes.

Submissions (2):

Women's Health and Genetics/Laboratory Corporation of America, LabCorp
Classification: Uncertain significance. Last evaluated: 2025-05-14. Review status: criteria provided, single submitter. Criteria: LabCorp Variant Classification Summary - May 2015. Collection method: clinical testing. Allele origin: germline.
Comment: Variant summary: COL12A1 c.5336G>C (p.Arg1779Pro) results in a non-conservative amino acid change in the encoded protein sequence. Algorithms developed to predict the effect of missense changes on protein structure and function are either unavailable or do not agree on the potential impact of this missense change. The variant was absent in 249048 control chromosomes. The available data on variant occurrences in the general population are insufficient to allow any conclusion about variant significance. To our knowledge, no occurrence of c.5336G>C in individuals affected with Ullrich congenital muscular dystrophy 2 and no experimental evidence demonstrating its impact on protein function have been reported. ClinVar contains an entry for this variant (Variation ID: 1058446). Based on the evidence outlined above, the variant was classified as uncertain significance.

Labcorp Genetics (formerly Invitae), Labcorp
Classification: Uncertain significance for Bethlem myopathy 2; Ullrich congenital muscular dystrophy 2. Last evaluated: 2024-12-29. Review status: criteria provided, single submitter. Criteria: Invitae Variant Classification Sherloc (09022015). Collection method: clinical testing. Allele origin: germline.
Comment: This sequence change replaces arginine, which is basic and polar, with proline, which is neutral and non-polar, at codon 1779 of the COL12A1 protein (p.Arg1779Pro). This variant is not present in population databases (gnomAD no frequency). This variant has not been reported in the literature in individuals affected with COL12A1-related conditions. ClinVar contains an entry for this variant (Variation ID: 1058446). Invitae Evidence Modeling of protein sequence and biophysical properties (such as structural, functional, and spatial information, amino acid conservation, physicochemical variation, residue mobility, and thermodynamic stability) indicates that this missense variant is not expected to disrupt COL12A1 protein function with a negative predictive value of 80%. In summary, the available evidence is currently insufficient to determine the role of this variant in disease. Therefore, it has been classified as a Variant of Uncertain Significance.

NM_004370.6(COL12A1):c.5336G>C (p.Arg1779Pro)

Gene: COL12A1 (collagen type XII alpha 1 chain; minus strand). Cytogenetic location: 6q13.
Variant type: single nucleotide variant.
Coding change: c.5336G>C on transcript NM_004370.6 (MANE Select); coding-DNA position 5336, G replaced by C.
Protein change: p.Arg1779Pro; replaces arginine 1779 with proline.
Molecular consequence: missense variant.
Genome position (GRCh38, 1-based): chr6:75,137,495, C>G on the plus strand (G>C on the coding strand, the complement: COL12A1 is on the minus strand). VCF-style: chr6-75137495-C-G. GRCh37 (hg19) VCF-style: chr6-75847211-C-G.
Other names: c.1844G>C, p.Arg615Pro (NM_080645.3); short protein forms R1779P, R615P.
Identifiers: ClinVar variation 1058446 (VCV001058446.10), dbSNP rs748487098, ClinGen allele CA140993481.
Genomic context (GRCh38, chr6:75,137,495, plus strand): 5'-ACCGTTTGCTCATTGCCTTCCCCTGTGGAAGGCTGATAAGTGATCCTATATTTCTGCACA[C>G]GACCACTAGCAGGATCCCACTTAACAGTCAGGCTGTTAGATGTTGCATTGTACACTTGAA-3'
Protein context (NP_004361.3, residues 1769-1789): LTVKWDPASG[Arg1779Pro]VQKYRITYQP